The following is an entry in ClinVar:

NM_001273.5(CHD4):c.496G>A (p.Val166Met)

Gene: CHD4 (chromodomain helicase DNA binding protein 4; minus strand). Cytogenetic location: 12p13.31.
Variant type: single nucleotide variant.
Coding change: c.496G>A on transcript NM_001273.5 (MANE Select); coding-DNA position 496, G replaced by A.
Protein change: p.Val166Met; replaces valine 166 with methionine.
Molecular consequence: missense variant.
Genome position (GRCh38, 1-based): chr12:6,601,709, C>T on the plus strand (G>A on the coding strand, the complement: CHD4 is on the minus strand). VCF-style: chr12-6601709-C-T. GRCh37 (hg19) VCF-style: chr12-6710875-C-T.
Other names: c.475G>A, p.Val159Met (NM_001297553.2); c.496G>A, p.Val166Met (NM_001363606.2); short protein forms V159M, V166M.
Identifiers: ClinVar variation 2209873 (VCV002209873.10), dbSNP rs141366600, ClinGen allele CA6412477.
Genomic context (GRCh38, chr12:6,601,709, plus strand): 5'-TGACAAACTGGCTGAAGGCCTTGTAGTTGGTGAGGGTTCGATAATCCTCCTCTGAGAACA[C>T]GTGGTCAATGTCTTCCATGCCCCAGTCTTCCAGGAGCTGAGCAGATGATTTAGGCTCCTG-3'
Protein context (NP_001264.2, residues 156-176): EDWGMEDIDH[Val166Met]FSEEDYRTLT

ClinVar aggregate classification (germline): Conflicting classifications of pathogenicity. Review status: criteria provided, conflicting classifications (1 of 4 stars). 2 submissions from 2 submitters: Uncertain significance (1); Likely benign (1). Last evaluated 2025-06-01.

Conditions:
Inborn genetic diseases. Identifiers: MedGen C0950123, MeSH D030342.

Allele frequency attached by ClinVar (database versions not stated): TOPMed 0.00002; gnomAD 0.00003; gnomAD exomes 0.00003; ExAC 0.00004; ESP Exome Variant Server 0.00008; 1000 Genomes Project 30x 0.00016; 1000 Genomes Project 0.00020.
gnomAD v4.1: 45 of 1,614,176 alleles (0.0028%); highest among the groups gnomAD compares: South Asian, 0.0044%; no homozygotes.

Submissions (2):

CeGaT Center for Human Genetics Tuebingen
Classification: Likely benign. Last evaluated: 2025-06-01. Review status: criteria provided, single submitter. Criteria: CeGaT Center For Human Genetics Tuebingen Variant Classification Criteria Version 2. Collection method: clinical testing. Allele origin: germline. Affected: yes. Observed: 1 variant allele.
Comment: CHD4: BS2

Ambry Genetics
Classification: Uncertain significance for Inborn genetic diseases. Last evaluated: 2021-12-03. Review status: criteria provided, single submitter. Criteria: Ambry Variant Classification Scheme 2023. Collection method: clinical testing. Allele origin: germline.